The following is an entry in ClinVar:

ClinVar aggregate classification (germline): Likely benign (1 of 4 stars; one submission).

Conditions:
Oculotrichoanal syndrome (MOTA). Also called: MARLES SYNDROME; Manitoba Oculotrichoanal (MOTA) Syndrome. Identifiers: Orphanet 2717, MedGen C1855425, MONDO:0009560, OMIM 248450.

Allele frequency attached by ClinVar (database versions not stated): 1000 Genomes Project 0.00220; gnomAD 0.00296 and 0.00318; TOPMed 0.00300; 1000 Genomes Project 30x 0.00344.

Submission:

Illumina Laboratory Services, Illumina
Classification: Likely benign for Oculotrichoanal syndrome. Last evaluated: 2018-01-13. Review status: criteria provided, single submitter. Criteria: ICSL Variant Classification Criteria 13 December 2019. Collection method: clinical testing. Allele origin: germline.
Comment: This variant was observed in the ICSL laboratory as part of a predisposition screen in an ostensibly healthy population. It had not been previously curated by ICSL or reported in the Human Gene Mutation Database (HGMD: prior to June 1st, 2018), and was therefore a candidate for classification through an automated scoring system. Utilizing variant allele frequency, disease prevalence and penetrance estimates, and inheritance mode, an automated score was calculated to assess if this variant is too frequent to cause the disease. Based on the score and internal cut-off values, a variant classified as likely benign is not then subjected to further curation. The score for this variant resulted in a classification of likely benign for this disease.

NM_144966.5(FREM1):c.*616G>A

Gene: FREM1 (FRAS1 related extracellular matrix 1; minus strand). Cytogenetic location: 9p22.3.
Variant type: single nucleotide variant.
Coding change: c.*616G>A on transcript NM_144966.5; 616 bases downstream of the stop codon, G replaced by A.
Genome position (GRCh38, 1-based): chr9:14,736,780, C>T on the plus strand (G>A on the coding strand, the complement: FREM1 is on the minus strand). VCF-style: chr9-14736780-C-T. GRCh37 (hg19) VCF-style: chr9-14736778-C-T.
Identifiers: ClinVar variation 913698 (VCV000913698.6), dbSNP rs73411795, ClinGen allele CA189356340.